The following is an entry in ClinVar:

NM_000082.4(ERCC8):c.562_564del (p.Glu188del)

Gene: ERCC8 (ERCC excision repair 8, CSA ubiquitin ligase complex subunit; minus strand). Cytogenetic location: 5q12.1.
Variant type: Deletion.
Coding change: c.562_564del on transcript NM_000082.4 (MANE Select); coding-DNA positions 562 to 564, 3 bases deleted (GAA; older notation c.562_564delGAA).
Protein change: p.Glu188del; deletes glutamic acid 188.
Molecular consequence: inframe deletion.
Genome position (GRCh38, 1-based): chr5:60,902,495-60,902,497, TTC deleted on the plus strand (GAA on the coding strand, the reverse complement: ERCC8 is on the minus strand); deleting any 3 consecutive bases within chr5:60,902,495-60,902,499 gives the same sequence; the c. name uses the placement nearest the transcript's 3' end. VCF-style (leftmost placement, unchanged base first): chr5-60902494-TTTC-T. GRCh37 (hg19) VCF-style: chr5-60198321-TTTC-T.
Other names: c.388_390del, p.Glu130del (NM_001007233.3); c.103_105del, p.Glu35del (NM_001290285.2); c.562_564delGAA (NM_000082.3); short protein forms E188del, E130del, E35del.
Identifiers: ClinVar variation 556621 (VCV000556621.6), dbSNP rs1404307838, ClinGen allele CA658821761.

ClinVar aggregate classification (germline): Uncertain significance. Review status: criteria provided, single submitter (1 of 4 stars). 2 submissions from 2 submitters: Uncertain significance (1). 1 of the submissions does not count toward it. Last evaluated 2022-06-27.

Conditions:
Cockayne syndrome type 1. Also called: Cockayne syndrome type I; Cockayne syndrome classical; Cockayne syndrome classic form. Identifiers: Orphanet 191, Orphanet 90321, MedGen C0751039, MONDO:0019569, OMIM 216400.

Submissions (2):

Labcorp Genetics (formerly Invitae), Labcorp
Classification: Uncertain significance. Last evaluated: 2022-06-27. Review status: criteria provided, single submitter. Criteria: Invitae Variant Classification Sherloc (09022015). Collection method: clinical testing. Allele origin: germline.
Comment: In summary, the available evidence is currently insufficient to determine the role of this variant in disease. Therefore, it has been classified as a Variant of Uncertain Significance. Algorithms developed to predict the effect of sequence changes on RNA splicing suggest that this variant may disrupt the consensus splice site. Experimental studies and prediction algorithms are not available or were not evaluated, and the functional significance of this variant is currently unknown. ClinVar contains an entry for this variant (Variation ID: 556621). This variant has not been reported in the literature in individuals affected with ERCC8-related conditions. This variant is not present in population databases (gnomAD no frequency). This variant, c.562_564del, results in the deletion of 1 amino acid(s) of the ERCC8 protein (p.Glu188del), but otherwise preserves the integrity of the reading frame.

Counsyl
Classification: Uncertain significance for Cockayne syndrome type 1. Last evaluated: 2018-05-15. Review status: no assertion criteria provided. Collection method: clinical testing. Allele origin: unknown. Not counted in ClinVar's aggregate classification.